The following is an entry in ClinVar:

ClinVar aggregate classification (germline): Pathogenic. Review status: criteria provided, multiple submitters, no conflicts (2 of 4 stars). 12 submissions from 12 submitters: Pathogenic (11). 1 of the submissions does not count toward it. Last evaluated 2025-08-01.

Conditions:
Idiopathic nephrotic syndrome. Also called: Nephrotic syndrome, idiopathic, steroid-resistant. Identifiers: Orphanet 357502, MedGen C3496337, MONDO:0018170.
Nephrotic syndrome, type 2 (NPHS2). Also called: NEPHROTIC SYNDROME, STEROID-RESISTANT, AUTOSOMAL RECESSIVE. Identifiers: Orphanet 656, MedGen C1868672, MONDO:0010974, OMIM 600995.
Focal segmental glomerulosclerosis (FSGS). Also called: Glomerulosclerosis, focal; Focal sclerosis with hyalinosis. Identifiers: MedGen C0017668, MONDO:0100313, HP:0000097. Disease mechanism: loss of function.
Steroid-resistant nephrotic syndrome. Identifiers: MedGen C0403397, MONDO:0044765, HP:0012588.

Allele frequency attached by ClinVar (database versions not stated): gnomAD 0.00001; TOPMed 0.00001; gnomAD exomes 0.00002 and 0.00001; ExAC 0.00002.
gnomAD v4.1: 15 of 1,612,836 alleles (0.00093%); highest among the groups gnomAD compares: Admixed American, 0.0033%; no homozygotes.

Submissions (12):

Labcorp Genetics (formerly Invitae), Labcorp
Classification: Pathogenic. Last evaluated: 2025-08-01. Review status: criteria provided, single submitter. Criteria: Invitae Variant Classification Sherloc (09022015). Collection method: clinical testing. Allele origin: germline.
Comment: This sequence change creates a premature translational stop signal (p.Arg138*) in the NPHS2 gene. It is expected to result in an absent or disrupted protein product. Loss-of-function variants in NPHS2 are known to be pathogenic (PMID: 10742096, 14701729, 15253708, 23595123). This variant is present in population databases (rs74315343, gnomAD 0.007%). This premature translational stop signal has been observed in individual(s) with nephrotic syndrome (PMID: 10742096). It has also been observed to segregate with disease in related individuals. ClinVar contains an entry for this variant (Variation ID: 5361). Algorithms developed to predict the effect of variants on gene product structure and function are not available or were not evaluated for this variant. Experimental studies have shown that this premature translational stop signal affects NPHS2 function (PMID: 14570703). Algorithms developed to predict the effect of sequence changes on RNA splicing suggest that this variant may disrupt the consensus splice site. For these reasons, this variant has been classified as Pathogenic.

Revvity Omics, Revvity
Classification: Pathogenic for Nephrotic syndrome, type 2. Last evaluated: 2025-01-17. Review status: criteria provided, single submitter. Criteria: ACMG Guidelines, 2015. Collection method: clinical testing. Allele origin: germline.

Natera, Inc.
Classification: Pathogenic for Steroid-resistant nephrotic syndrome. Last evaluated: 2024-12-09. Review status: criteria provided, single submitter. Criteria: Natera Variant Classification Schema (03/2026). Collection method: clinical testing. Allele origin: germline.
Comment: The c.412C>T variant in NPHS2 is a nonsense variant predicted to introduce a stop codon at amino acid 138. This variant is expected to result in nonsense mediated decay, truncation, or a dysfunctional protein product. This variant is rare in the general population with a frequency below the threshold expected for the associated phenotype(s). This variant has been observed in one or more individuals affected with the associated recessive disease, as either homozygous or compound heterozygous with a second variant (PMID: 16291839). Given the available evidence, this variant is classified as Pathogenic.

Neuberg Centre For Genomic Medicine, NCGM
Classification: Pathogenic for Nephrotic syndrome, type 2. Last evaluated: 2023-07-22. Review status: criteria provided, single submitter. Criteria: ACMG Guidelines, 2015. Collection method: clinical testing. Allele origin: germline. Inheritance: Autosomal recessive inheritance. Affected: yes.
Comment: The stop gained variant c.412C>T p.Arg138Ter in the NPHS2 gene has been reported in multiple individuals in homozygous state affected with nephrotic syndrome Caridi et al., 2009; Frishberg et al., 2002. The variant has 0.001% allele frequency in gnomAD Exomes and is novel not in any individuals in 1000 Genomes. This variant has been reported to the ClinVar database as Pathogenic multiple submitters. This variant is predicted to cause a loss of normal protein function through protein truncation. Loss of function variants have been previously reported to be disease-causing. For these reasons, this variant has been classified as Pathogenic.

Genome-Nilou Lab
Classification: Pathogenic for Nephrotic syndrome, type 2. Last evaluated: 2023-04-11. Review status: criteria provided, single submitter. Criteria: ACMG Guidelines, 2015. Collection method: clinical testing. Allele origin: germline. Affected: no.

Genome Diagnostics Laboratory, The Hospital for Sick Children
Classification: Pathogenic for Focal segmental glomerulosclerosis. Last evaluated: 2022-09-06. Review status: criteria provided, single submitter. Criteria: ACMG Guidelines, 2015. Collection method: clinical testing. Allele origin: germline.

Women's Health and Genetics/Laboratory Corporation of America, LabCorp
Classification: Pathogenic for Idiopathic nephrotic syndrome. Last evaluated: 2022-03-01. Review status: criteria provided, single submitter. Criteria: LabCorp Variant Classification Summary - May 2015. Collection method: clinical testing. Allele origin: germline.
Comment: Variant summary: NPHS2 c.412C>T (p.Arg138X) results in a premature termination codon, predicted to cause a truncation of the encoded protein or absence of the protein due to nonsense mediated decay, which are commonly known mechanisms for disease. Truncations downstream of this position have been classified as pathogenic by our laboratory. The variant allele was found at a frequency of 1.6e-05 in 251298 control chromosomes (gnomAD). c.412C>T has been reported in the literature in multiple individuals affected with Nephrotic Syndrome, Type 2 (e.g. Boute_2000, Frishberg_2006). These data indicate that the variant is very likely to be associated with disease. Experimental evidence evaluating an impact on protein function demonstrated the variant results in the loss of both homo-oligomerization and interaction with nephrin (Huber_2003). Six ClinVar submitters (evaluation after 2014) cite the variant as pathogenic. Based on the evidence outlined above, the variant was classified as pathogenic.

Molecular Biology Laboratory, Fundació Puigvert
Classification: Pathogenic for Nephrotic syndrome, type 2. Last evaluated: 2020-02-01. Review status: criteria provided, single submitter. Criteria: ACMG Guidelines, 2015. Collection method: research. Allele origin: germline. Affected: yes. Study: KidneyPanel_2020.

Myriad Genetics, Inc.
Classification: Pathogenic for Nephrotic syndrome, type 2. Last evaluated: 2019-12-04. Review status: criteria provided, single submitter. Criteria: Myriad Women's Health Autosomal Recessive and X-Linked Classification Criteria (2019). Collection method: clinical testing. Allele origin: unknown.
Comment: NM_014625.2(NPHS2):c.412C>T(R138*) is classified as pathogenic in the context of NPHS2-related nephrotic syndrome. Sources cited for classification include the following: PMID 17899208, 11805168, 20798252, 10742096 and 14570703. Classification of NM_014625.2(NPHS2):c.412C>T(R138*) is based on the following criteria: The variant causes a premature termination codon that is expected to be targeted by nonsense-mediated mRNA decay and is reported in individuals with the relevant phenotype. Please note: this variant was assessed in the context of healthy population screening.

Athena Diagnostics
Classification: Pathogenic. Last evaluated: 2019-05-31. Review status: criteria provided, single submitter. Criteria: Athena Diagnostics Criteria. Collection method: clinical testing. Allele origin: germline.
Comment: The variant creates a premature nonsense codon, and is therefore predicted to result in the loss of a functional protein. Found in at least one symptomatic patient, and found in general population data that is consistent with pathogenicity. Occurs in three or more cases with a recessive pathogenic variant in the same gene. Damaging to protein function(s) relevant to disease mechanism. Strong co-segregation with disease in affected and unaffected individuals, but from a single family.

Broad Center for Mendelian Genomics, Broad Institute of MIT and Harvard
Classification: Pathogenic for Nephrotic syndrome, type 2. Last evaluated: 2018-12-03. Review status: criteria provided, single submitter. Criteria: ACMG Guidelines, 2015. Collection method: research. Allele origin: germline. Inheritance: Autosomal recessive inheritance. Affected: yes.
Comment: This variant has also been reported pathogenic in ClinVar (Variation ID: 5361). The p.Arg138Ter variant in NPHS2 has been reported in 15 Arab-Israeli individuals with nephrotic syndrome, segregated with disease in 9 affected relatives from 2 families (PMID: 11805168), and has been identified in 0.006538% (1/15296) of African chromosomes, 0.002979% (1/33564) of Latino chromosomes, and 0.001792% (2/111604) of European (non-Finnish) chromosomes by the Genome Aggregation Database (gnomAD; dbSNP rs74315343). Although this variant has been seen in the general population, its frequency is low enough to be consistent with a recessive carrier frequency. This nonsense variant leads to a premature termination codon at position 138, which is predicted to lead to a truncated or absent protein. Loss of function of the NPHS2 gene is an established disease mechanism in autosomal recessive nephrotic syndrome. The presence of this variant in combination with a pathogenic variant reported in this study and in an individual with nephrotic syndrome increases the likelihood that the p.Arg138Ter variant is pathogenic. In summary, this variant meets criteria to be classified as pathogenic for nephrotic syndrome in an autosomal recessive manner based on the predicted impact of the variant and cosegration with disease in multiple families. ACMG/AMP Criteria applied: PM2, PVS1, PP1_Moderate, PM3 (Richards 2015).

OMIM
Classification: Pathogenic for NEPHROTIC SYNDROME, TYPE 2. Last evaluated: 2007-01-01. Review status: no assertion criteria provided. Collection method: literature only. Allele origin: germline. Not counted in ClinVar's aggregate classification.

Literature cited by the submitters: PubMed 10742096 (cited by 5 submitters); PubMed 14701729 (cited by Labcorp Genetics (formerly Invitae), Labcorp); PubMed 15253708 (cited by Labcorp Genetics (formerly Invitae), Labcorp); PubMed 23595123 (cited by Labcorp Genetics (formerly Invitae), Labcorp); PubMed 14570703 (cited by 4 submitters); PubMed 16291839 (cited by Natera, Inc. and Women's Health and Genetics/Laboratory Corporation of America, LabCorp); PubMed 33532864 (cited by Molecular Biology Laboratory, Fundació Puigvert); PubMed 17899208 (cited by Myriad Genetics, Inc.); PubMed 11805168 (cited by 3 submitters); PubMed 20798252 (cited by Myriad Genetics, Inc.); PubMed 17109732 (cited by Athena Diagnostics and OMIM); PubMed 28658201 (cited by Athena Diagnostics); PubMed 12644922 (cited by Athena Diagnostics); PubMed 26211502 (cited by Athena Diagnostics); PubMed 26467726 (cited by Athena Diagnostics); PubMed 25525159 (cited by Athena Diagnostics); PubMed 8589695 (cited by OMIM).

NM_014625.4(NPHS2):c.412C>T (p.Arg138Ter)

Gene: NPHS2 (NPHS2 stomatin family member, podocin; minus strand). Cytogenetic location: 1q25.2.
Variant type: single nucleotide variant.
Coding change: c.412C>T on transcript NM_014625.4 (MANE Select); coding-DNA position 412, C replaced by T.
Protein change: p.Arg138Ter; replaces arginine 138 with a stop codon.
Molecular consequence: nonsense.
Genome position (GRCh38, 1-based): chr1:179,561,328, G>A on the plus strand (C>T on the coding strand, the complement: NPHS2 is on the minus strand). VCF-style: chr1-179561328-G-A. GRCh37 (hg19) VCF-style: chr1-179530463-G-A.
Other names: c.412C>T, p.Arg138Ter (NM_001297575.2); short protein forms R138*.
Identifiers: ClinVar variation 5361 (VCV000005361.25), dbSNP rs74315343, ClinGen allele CA117448.